The following is an entry in ClinVar:

ClinVar aggregate classification (germline): Uncertain significance (1 of 4 stars; one submission).

Conditions:
Congenital chylothorax. Also called: HYDROTHORAX, CONGENITAL. Identifiers: Orphanet 264688, MedGen C0340014, MONDO:0011331, OMIM 603523.

Submission:

SIB Swiss Institute of Bioinformatics
Classification: Uncertain significance for Congenital chylothorax. Last evaluated: 2024-03-21. Review status: criteria provided, single submitter. Criteria: ACMG Guidelines, 2015. Collection method: curation. Allele origin: unknown. Affected: yes.
Comment: This variant is interpreted for congenital chylothorax, autosomal recessive. The following ACMG Tag(s) were applied: Absent from controls (or at extremely low frequency if recessive) in Exome Sequencing Project, 1000 Genomes Project, or Exome Aggregation Consortium (PM2).

Literature cited by the submitters: PubMed 38247840.

NM_138295.5(PKD1L1):c.6549G>T (p.Gln2183His)

Gene: PKD1L1 (polycystin 1 like 1, transient receptor potential channel interacting; minus strand). Cytogenetic location: 7p12.3.
Variant type: single nucleotide variant.
Coding change: c.6549G>T on transcript NM_138295.5 (MANE Select); coding-DNA position 6549, G replaced by T.
Protein change: p.Gln2183His; replaces glutamine 2183 with histidine.
Molecular consequence: missense variant.
Genome position (GRCh38, 1-based): chr7:47,830,049, C>A on the plus strand (G>T on the coding strand, the complement: PKD1L1 is on the minus strand). VCF-style: chr7-47830049-C-A. GRCh37 (hg19) VCF-style: chr7-47869647-C-A.
Other names: short protein forms Q2183H.
Identifiers: ClinVar variation 3062364 (VCV003062364.1), dbSNP rs2483928020, ClinGen allele CA367479217.
Genomic context (GRCh38, chr7:47,830,049, plus strand): 5'-CTAGGTCCCCTGCTGATGGAAGGCACTTCTACCATGGAGGGTGTTTCTTACCATAAGTGG[C>A]TGGGTGATGAAAATACAGCAGACCACGGAGAGGGACAGCAGGTGCAGCCACTGCACACAT-3'
Protein context (NP_612152.1, residues 2173-2193): LSVVCCIFIT[Gln2183His]PLMVCLMALG